The following is an entry in ClinVar:

ClinVar aggregate classification (germline): Uncertain significance (1 of 4 stars; one submission).

Submission:

Labcorp Genetics (formerly Invitae), Labcorp
Classification: Uncertain significance. Last evaluated: 2024-08-04. Review status: criteria provided, single submitter. Criteria: Invitae Variant Classification Sherloc (09022015). Collection method: clinical testing. Allele origin: germline.
Comment: This sequence change replaces lysine, which is basic and polar, with arginine, which is basic and polar, at codon 222 of the P4HB protein (p.Lys222Arg). This variant is not present in population databases (gnomAD no frequency). This variant has not been reported in the literature in individuals affected with P4HB-related conditions. Advanced modeling of protein sequence and biophysical properties (such as structural, functional, and spatial information, amino acid conservation, physicochemical variation, residue mobility, and thermodynamic stability) performed at Invitae indicates that this missense variant is not expected to disrupt P4HB protein function with a negative predictive value of 80%. In summary, the available evidence is currently insufficient to determine the role of this variant in disease. Therefore, it has been classified as a Variant of Uncertain Significance.

NM_000918.4(P4HB):c.665A>G (p.Lys222Arg)

Gene: P4HB (prolyl 4-hydroxylase subunit beta; minus strand). Cytogenetic location: 17q25.3.
Variant type: single nucleotide variant.
Coding change: c.665A>G on transcript NM_000918.4 (MANE Select); coding-DNA position 665, A replaced by G.
Protein change: p.Lys222Arg; replaces lysine 222 with arginine.
Molecular consequence: missense variant.
Genome position (GRCh38, 1-based): chr17:81,847,307, T>C on the plus strand (A>G on the coding strand, the complement: P4HB is on the minus strand). VCF-style: chr17-81847307-T-C. GRCh37 (hg19) VCF-style: chr17-79805183-T-C.
Other names: short protein forms K222R.
Identifiers: ClinVar variation 3661369 (VCV003661369.2).
Genomic context (GRCh38, chr17:81,847,307, plus strand): 5'-TCGGTGAACTCGATGACAAGGGGCAGCTGGTTGTGTTTGATAAAGTCCAGCAGGTTCTCC[T>C]TGGTGACCTCCCCTTCAAAGTTGTTCCGGCCTTCATCAAACTGTGGACAGAAAGAGGGCC-3'
Protein context (NP_000909.2, residues 212-232): GRNNFEGEVT[Lys222Arg]ENLLDFIKHN